The following is an entry in ClinVar:

NM_000199.5(SGSH):c.703G>T (p.Asp235Tyr)

Gene: SGSH (N-sulfoglucosamine sulfohydrolase; minus strand). Cytogenetic location: 17q25.3.
Variant type: single nucleotide variant.
Coding change: c.703G>T on transcript NM_000199.5 (MANE Select); coding-DNA position 703, G replaced by T.
Protein change: p.Asp235Tyr; replaces aspartic acid 235 with tyrosine.
Molecular consequence: missense variant. On other transcripts: non-coding transcript variant (1).
Genome position (GRCh38, 1-based): chr17:80,213,846, C>A on the plus strand (G>T on the coding strand, the complement: SGSH is on the minus strand). VCF-style: chr17-80213846-C-A. GRCh37 (hg19) VCF-style: chr17-78187645-C-A.
Other names: c.703G>T, p.Asp235Tyr (NM_001352921.3, NM_001352922.2); short protein forms D235Y.
Identifiers: ClinVar variation 2778794 (VCV002778794.3), dbSNP rs753472891, ClinGen allele CA401361352.

ClinVar aggregate classification (germline): Likely pathogenic (1 of 4 stars; one submission).

Conditions:
Mucopolysaccharidosis, MPS-III-A (MPS3A). Also called: Mucopolysaccharidosis type IIIA (Sanfilippo A); Mucopolysaccharidosis, type IIIA; mucopolysaccharidosis type 3A; MPS IIIA (Sanfilippo Syndrome Type A); HEPARAN SULFATE SULFATASE DEFICIENCY; SANFILIPPO SYNDROME A. Identifiers: Orphanet 581, Orphanet 79269, MedGen C0086647, MONDO:0009655, OMIM 252900.

Submission:

Labcorp Genetics (formerly Invitae), Labcorp
Classification: Likely pathogenic for Mucopolysaccharidosis, MPS-III-A. Last evaluated: 2022-11-29. Review status: criteria provided, single submitter. Criteria: Invitae Variant Classification Sherloc (09022015). Collection method: clinical testing. Allele origin: germline.
Comment: This variant disrupts the p.Asp235 amino acid residue in SGSH. Other variant(s) that disrupt this residue have been determined to be pathogenic (PMID: 11182930, 12000360, 19099774; Invitae). This suggests that this residue is clinically significant, and that variants that disrupt this residue are likely to be disease-causing. In summary, the currently available evidence indicates that the variant is pathogenic, but additional data are needed to prove that conclusively. Therefore, this variant has been classified as Likely Pathogenic. Advanced modeling of protein sequence and biophysical properties (such as structural, functional, and spatial information, amino acid conservation, physicochemical variation, residue mobility, and thermodynamic stability) performed at Invitae indicates that this missense variant is expected to disrupt SGSH protein function. This variant has not been reported in the literature in individuals affected with SGSH-related conditions. This variant is not present in population databases (gnomAD no frequency). This sequence change replaces aspartic acid, which is acidic and polar, with tyrosine, which is neutral and polar, at codon 235 of the SGSH protein (p.Asp235Tyr).

Literature cited by the submitters: PubMed 11182930; PubMed 12000360; PubMed 19099774.